The following is an entry in ClinVar:

NM_004656.4(BAP1):c.1116+6C>T

Gene: BAP1 (BRCA1 associated deubiquitinase 1; minus strand). Cytogenetic location: 3p21.1.
Variant type: single nucleotide variant.
Coding change: c.1116+6C>T on transcript NM_004656.4 (MANE Select); 6 bases into the intron after coding-DNA position 1116, C replaced by T.
Molecular consequence: intron variant.
Genome position (GRCh38, 1-based): chr3:52,405,104, G>A on the plus strand (C>T on the coding strand, the complement: BAP1 is on the minus strand). VCF-style: chr3-52405104-G-A. GRCh37 (hg19) VCF-style: chr3-52439120-G-A.
Identifiers: ClinVar variation 1171662 (VCV001171662.3), dbSNP rs2153226980, ClinGen allele CA2499216942.

ClinVar aggregate classification (germline): Uncertain significance. Review status: criteria provided, multiple submitters, no conflicts (2 of 4 stars). 2 submissions from 2 submitters: Uncertain significance (2). Last evaluated 2025-04-08.

Conditions:
Hereditary cancer-predisposing syndrome. Also called: Tumor predisposition; Hereditary neoplastic syndrome; Hereditary Cancer Syndrome; Neoplastic Syndromes, Hereditary. Identifiers: Orphanet 140162, MedGen C0027672, MeSH D009386, MONDO:0015356.
BAP1-related tumor predisposition syndrome (TPDS1). Also called: Tumor susceptibility linked to germline BAP1 mutations; COMMON Syndrome; TUMOR PREDISPOSITION SYNDROME 1; BAP1 tumor predisposition syndrome. Identifiers: Orphanet 289539, MedGen C3280492, MONDO:0013692, OMIM 614327.

Submissions (2):

Labcorp Genetics (formerly Invitae), Labcorp
Classification: Uncertain significance for BAP1-related tumor predisposition syndrome. Last evaluated: 2025-04-08. Review status: criteria provided, single submitter. Criteria: Invitae Variant Classification Sherloc (09022015). Collection method: clinical testing. Allele origin: germline.
Comment: This sequence change falls in intron 11 of the BAP1 gene. It does not directly change the encoded amino acid sequence of the BAP1 protein. It affects a nucleotide within the consensus splice site. This variant is not present in population databases (gnomAD no frequency). This variant has not been reported in the literature in individuals affected with BAP1-related conditions. ClinVar contains an entry for this variant (Variation ID: 1171662). Variants that disrupt the consensus splice site are a relatively common cause of aberrant splicing (PMID: 17576681, 9536098). Algorithms developed to predict the effect of sequence changes on RNA splicing suggest that this variant is not likely to affect RNA splicing. In summary, the available evidence is currently insufficient to determine the role of this variant in disease. Therefore, it has been classified as a Variant of Uncertain Significance.

Color Diagnostics, LLC DBA Color Health
Classification: Uncertain significance for Hereditary cancer-predisposing syndrome. Last evaluated: 2021-01-06. Review status: criteria provided, single submitter. Criteria: ACMG Guidelines, 2015. Collection method: clinical testing. Allele origin: germline.
Comment: This variant causes a C to T nucleotide substitution at the +6 position of intron 11 of the BAP1 gene. To our knowledge, functional studies have not been reported for this variant. This variant has not been reported in individuals affected with hereditary cancer in the literature. This variant has not been identified in the general population by the Genome Aggregation Database (gnomAD). The available evidence is insufficient to determine the role of this variant in disease conclusively. Therefore, this variant is classified as a Variant of Uncertain Significance.

Literature cited by the submitters: PubMed 17576681 (cited by Labcorp Genetics (formerly Invitae), Labcorp); PubMed 9536098 (cited by Labcorp Genetics (formerly Invitae), Labcorp).